The following is an entry in ClinVar:

ClinVar aggregate classification (germline): Uncertain significance. Review status: criteria provided, single submitter (1 of 4 stars). 3 submissions from 3 submitters: Uncertain significance (1). 2 of the submissions do not count toward it. Last evaluated 2022-02-09.

Conditions:
Alstrom syndrome (ALMS). Identifiers: Orphanet 64, MedGen C0268425, MONDO:0008763, OMIM 203800.

gnomAD v4.1: 1 of 1,608,590 alleles (0.000062%); highest among the groups gnomAD compares: Non-Finnish European, 0.000085%; no homozygotes.

Submissions (3):

Labcorp Genetics (formerly Invitae), Labcorp
Classification: Uncertain significance for Alstrom syndrome. Last evaluated: 2022-02-09. Review status: criteria provided, single submitter. Criteria: Invitae Variant Classification Sherloc (09022015). Collection method: clinical testing. Allele origin: germline.
Comment: This variant is not present in population databases (gnomAD no frequency). This sequence change replaces glutamine, which is neutral and polar, with arginine, which is basic and polar, at codon 3495 of the ALMS1 protein (p.Gln3495Arg). This variant has not been reported in the literature in individuals affected with ALMS1-related conditions. In summary, the available evidence is currently insufficient to determine the role of this variant in disease. Therefore, it has been classified as a Variant of Uncertain Significance. Algorithms developed to predict the effect of missense changes on protein structure and function output the following: SIFT: "Not Available"; PolyPhen-2: "Not Available"; Align-GVGD: "Not Available". The arginine amino acid residue is found in multiple mammalian species, which suggests that this missense change does not adversely affect protein function. ClinVar contains an entry for this variant (Variation ID: 555838).

Natera, Inc.
Classification: Uncertain significance for Alstrom syndrome. Last evaluated: 2025-04-10. Review status: no assertion criteria provided. Collection method: clinical testing. Allele origin: germline. Not counted in ClinVar's aggregate classification.

Counsyl
Classification: Uncertain significance for Alstrom syndrome. Last evaluated: 2017-12-22. Review status: no assertion criteria provided. Collection method: clinical testing. Allele origin: unknown. Not counted in ClinVar's aggregate classification.

NM_001378454.1(ALMS1):c.10481A>G (p.Gln3494Arg)

Gene: ALMS1 (ALMS1 centrosome and basal body associated protein; plus strand). Cytogenetic location: 2p13.1.
Variant type: single nucleotide variant.
Coding change: c.10481A>G on transcript NM_001378454.1 (MANE Select); coding-DNA position 10481, A replaced by G.
Protein change: p.Gln3494Arg; replaces glutamine 3494 with arginine.
Molecular consequence: missense variant.
Genome position (GRCh38, 1-based): chr2:73,572,358, A>G. VCF-style: chr2-73572358-A-G. GRCh37 (hg19) VCF-style: chr2-73799485-A-G.
Other names: c.10484A>G, p.Gln3495Arg (NM_015120.4); short protein forms Q3495R, Q3494R.
Identifiers: ClinVar variation 555838 (VCV000555838.7), dbSNP rs1553418430, ClinGen allele CA347283125.
Genomic context (GRCh38, chr2:73,572,358, plus strand): 5'-GTTCTGTCTTCAGGTCAGCAAAGTTTTACATTCATCATCCCGTACACCTACCAAGTGATC[A>G]AGATATTTGCCATGAATCTTTGGGAAAGAGTGTTTTCATGAGACATTCTTGGAAAGATTT-3'
Protein context (NP_001365383.1, residues 3484-3504): IHHPVHLPSD[Gln3494Arg]DICHESLGKS